The following is an entry in ClinVar:

ClinVar aggregate classification (germline): Uncertain significance. Review status: criteria provided, multiple submitters, no conflicts (2 of 4 stars). 2 submissions from 2 submitters: Uncertain significance (2). Last evaluated 2023-04-01.

Allele frequency attached by ClinVar (database versions not stated): ExAC 0.00001; gnomAD exomes 0.00001; gnomAD 0.00003; TOPMed 0.00004; ESP Exome Variant Server 0.00008.
gnomAD v4.1: 27 of 1,608,130 alleles (0.0017%); highest among the groups gnomAD compares: Middle Eastern, 0.082%; 1 homozygote.

Submissions (2):

CeGaT Center for Human Genetics Tuebingen
Classification: Uncertain significance. Last evaluated: 2023-04-01. Review status: criteria provided, single submitter. Criteria: CeGaT Center For Human Genetics Tuebingen Variant Classification Criteria Version 2. Collection method: clinical testing. Allele origin: germline. Affected: yes. Observed: 1 variant allele.
Comment: TIE1: PM2:Supporting

Ambry Genetics
Classification: Uncertain significance. Last evaluated: 2023-02-28. Review status: criteria provided, single submitter. Criteria: Ambry Variant Classification Scheme 2023. Collection method: clinical testing. Allele origin: germline.

NM_005424.5(TIE1):c.1732G>A (p.Asp578Asn)

Gene: TIE1 (tyrosine kinase with immunoglobulin like and EGF like domains 1; plus strand). Cytogenetic location: 1p34.2.
Variant type: single nucleotide variant.
Coding change: c.1732G>A on transcript NM_005424.5 (MANE Select); coding-DNA position 1732, G replaced by A.
Protein change: p.Asp578Asn; replaces aspartic acid 578 with asparagine.
Molecular consequence: missense variant.
Genome position (GRCh38, 1-based): chr1:43,312,406, G>A. VCF-style: chr1-43312406-G-A. GRCh37 (hg19) VCF-style: chr1-43778077-G-A.
Other names: c.1597G>A, p.Asp533Asn (NM_001253357.2); short protein forms D533N, D578N.
Identifiers: ClinVar variation 2456339 (VCV002456339.29), dbSNP rs376860690, ClinGen allele CA805956.
Genomic context (GRCh38, chr1:43,312,406, plus strand): 5'-GGCACTGACCGGCTGCGAGTGAGCTGGTCCTTGCCCTTGGTGCCCGGGCCACTGGTGGGC[G>A]ACGGTTTCCTGCTGCGCCTGTGGGACGGGACACGGGGGCAGGAGCGGCGGGAGAACGTCT-3'
Protein context (NP_005415.1, residues 568-588): LPLVPGPLVG[Asp578Asn]GFLLRLWDGT